The following is an entry in ClinVar:

NM_000257.4(MYH7):c.1742A>G (p.His581Arg)

Gene: MYH7 (myosin heavy chain 7; minus strand). Cytogenetic location: 14q11.2.
Variant type: single nucleotide variant.
Coding change: c.1742A>G on transcript NM_000257.4 (MANE Select); coding-DNA position 1742, A replaced by G.
Protein change: p.His581Arg; replaces histidine 581 with arginine.
Molecular consequence: missense variant.
Genome position (GRCh38, 1-based): chr14:23,427,731, T>C on the plus strand (A>G on the coding strand, the complement: MYH7 is on the minus strand). VCF-style: chr14-23427731-T-C. GRCh37 (hg19) VCF-style: chr14-23896940-T-C.
Other names: short protein forms H581R.
Identifiers: ClinVar variation 42861 (VCV000042861.6), dbSNP rs397516120, ClinGen allele CA011172.

ClinVar aggregate classification (germline): Uncertain significance. Review status: criteria provided, multiple submitters, no conflicts (2 of 4 stars). 2 submissions from 2 submitters: Uncertain significance (2). Last evaluated 2026-01-16.

Conditions:
Hypertrophic cardiomyopathy 1 (CMH1). Also called: MYH7-Related Familial Hypertrophic Cardiomyopathy; Familial hypertrophic cardiomyopathy 1. Identifiers: MedGen C3495498, MONDO:0008647, OMIM 192600.

Submissions (2):

Institute of Immunology and Genetics Kaiserslautern
Classification: Uncertain significance for Hypertrophic cardiomyopathy 1. Last evaluated: 2026-01-16. Review status: criteria provided, single submitter. Criteria: ACMG Guidelines, 2015. Collection method: clinical testing. Allele origin: germline. Affected: yes.
Comment: ACMG Criteria: PM1, PM2_P, PP3; Variant was found in heterozygous state.

Laboratory for Molecular Medicine, Mass General Brigham Personalized Medicine
Classification: Uncertain significance. Last evaluated: 2014-01-03. Review status: criteria provided, single submitter. Criteria: LMM Criteria. Collection method: clinical testing. Allele origin: germline. Observed: 2 variant alleles.
Comment: proposed classification - variant undergoing re-assessment, contact laboratory